The following is an entry in ClinVar:

ClinVar aggregate classification (germline): Uncertain significance (1 of 4 stars; one submission).

Conditions:
Congenital myopathy 4A, autosomal dominant (CMYO4A). Identifiers: MedGen CN178536, MONDO:0800341, OMIM 255310.

Submission:

3billion
Classification: Uncertain significance for Congenital myopathy 4A, autosomal dominant. Last evaluated: 2025-11-23. Review status: criteria provided, single submitter. Criteria: ACMG Guidelines, 2015. Collection method: clinical testing. Allele origin: germline. Affected: yes.
Comment: The variant is not observed in the gnomAD v4.1.0 dataset. Predicted Consequence/Location: Missense variant. Missense changes are a common disease-causing mechanism. In silico tool predictions suggest damaging effect of the variant on gene or gene product [REVEL: 0.89 (>=0.6, sensitivity 0.68 and specificity 0.92)]. Different missense changes at the same codon have been reported as of uncertain significance (ClinVar ID: VCV001504303). Therefore, this variant is classified as VUS according to the recommendation of ACMG/AMP guideline.

NM_152263.4(TPM3):c.845T>A (p.Met282Lys)

Gene: TPM3 (tropomyosin 3; minus strand). Cytogenetic location: 1q21.3.
Variant type: single nucleotide variant.
Coding change: c.845T>A on transcript NM_152263.4 (MANE Select); coding-DNA position 845, T replaced by A.
Protein change: p.Met282Lys; replaces methionine 282 with lysine.
Molecular consequence: missense variant. On other transcripts: intron variant (10).
Genome position (GRCh38, 1-based): chr1:154,169,314, A>T on the plus strand (T>A on the coding strand, the complement: TPM3 is on the minus strand). VCF-style: chr1-154169314-A-T. GRCh37 (hg19) VCF-style: chr1-154141790-A-T.
Other names: c.664+1086T>A (NM_001043353.2, NM_153649.4, NM_001043352.2 and 1 more transcripts); c.601+1086T>A (NM_001278190.2); c.394+1086T>A (NM_001278191.2); c.734T>A, p.Met245Lys (NM_001278189.2, NM_001349679.2, NM_001364683.1); c.845T>A, p.Met282Lys (NM_001364682.1); c.775+1086T>A (NM_001364679.2, NM_001364681.2, NM_001364680.2); c.466+1086T>A (NM_001278188.2); short protein forms M245K, M282K.
Identifiers: ClinVar variation 4855084 (VCV004855084.1).
Genomic context (GRCh38, chr1:154,169,314, plus strand): 5'-CATCCACCCACAAGCCAAGATCCCAGCCCCACTCTACTGTCAGATAGTTACATAGAGGTC[A>T]TGTCATTGAGGGCGTGGTCCAGCTCCTCGCTAATGGCCTTGTACTTCAGTTTCTGGGCAT-3'
Protein context (NP_689476.2, residues 272-285): SEELDHALND[Met282Lys]TSI